The following is an entry in ClinVar:

ClinVar aggregate classification (germline): Pathogenic (1 of 4 stars; one submission).

Conditions:
PHGDH deficiency. Identifiers: Orphanet 79351, MedGen C1866174, MONDO:0011152, OMIM 601815.

Submission:

Labcorp Genetics (formerly Invitae), Labcorp
Classification: Pathogenic for PHGDH deficiency. Last evaluated: 2022-08-04. Review status: criteria provided, single submitter. Criteria: Invitae Variant Classification Sherloc (09022015). Collection method: clinical testing. Allele origin: germline.
Comment: For these reasons, this variant has been classified as Pathogenic. This premature translational stop signal has been observed in individual(s) with Neu Laxova syndrome (PMID: 28903583). This variant is not present in population databases (gnomAD no frequency). This sequence change creates a premature translational stop signal (p.Trp133*) in the PHGDH gene. It is expected to result in an absent or disrupted protein product. Loss-of-function variants in PHGDH are known to be pathogenic (PMID: 14645240, 24836451).

Literature cited by the submitters: PubMed 28903583; PubMed 14645240; PubMed 24836451.

NM_006623.4(PHGDH):c.398G>A (p.Trp133Ter)

Gene: PHGDH (phosphoglycerate dehydrogenase; plus strand). Cytogenetic location: 1p12.
Variant type: single nucleotide variant.
Coding change: c.398G>A on transcript NM_006623.4 (MANE Select); coding-DNA position 398, G replaced by A.
Protein change: p.Trp133Ter; replaces tryptophan 133 with a stop codon.
Molecular consequence: nonsense.
Genome position (GRCh38, 1-based): chr1:119,726,892, G>A. VCF-style: chr1-119726892-G-A. GRCh37 (hg19) VCF-style: chr1-120269515-G-A.
Other names: short protein forms W133*.
Identifiers: ClinVar variation 1964515 (VCV001964515.5), dbSNP rs2464112148, ClinGen allele CA341847616.